The following is an entry in ClinVar:

ClinVar aggregate classification (germline): Uncertain significance. Review status: criteria provided, multiple submitters, no conflicts (2 of 4 stars). 2 submissions from 2 submitters: Uncertain significance (2). Last evaluated 2025-11-17.

Conditions:
Dyskeratosis congenita, autosomal dominant 1 (DKCA1). Also called: Dyskeratosis congenita Scoggins type. Identifiers: Orphanet 1775, MedGen C4551974, MONDO:0007485, OMIM 127550. Inheritance: Variable.

Allele frequency attached by ClinVar (database versions not stated): gnomAD exomes below 0.00001; TOPMed 0.00001; gnomAD 0.00001.
gnomAD v4.1: 2 of 764,406 alleles (0.00026%); highest among the groups gnomAD compares: Non-Finnish European, 0.00048%; no homozygotes.

Submissions (2):

Dasa
Classification: Uncertain significance. Last evaluated: 2025-11-17. Review status: criteria provided, single submitter. Criteria: DASA Assertion Criteria. Collection method: clinical testing. Allele origin: germline.
Comment: NR_001566.1(TERC):n.29T>A is a sequence variant. This variant is rare in population databases. The currently available literature and clinical evidence are not sufficient to establish a definitive association between this variant and the reported condition. Therefore, this variant is classified as a variant of uncertain significance.

Labcorp Genetics (formerly Invitae), Labcorp
Classification: Uncertain significance for Dyskeratosis congenita, autosomal dominant 1. Last evaluated: 2023-11-10. Review status: criteria provided, single submitter. Criteria: Invitae Variant Classification Sherloc (09022015). Collection method: clinical testing. Allele origin: germline.
Comment: This variant occurs in the TERC gene, which encodes an RNA molecule that does not result in a protein product. This variant is not present in population databases (gnomAD no frequency). This variant has not been reported in the literature in individuals affected with TERC-related conditions. ClinVar contains an entry for this variant (Variation ID: 534181). This variant is located at the 5’ end of the TERC RNA component (PMID: 15082312, 21844345). The functional significance of this region is not well understood. In summary, the available evidence is currently insufficient to determine the role of this variant in disease. Therefore, it has been classified as a Variant of Uncertain Significance.

Literature cited by the submitters: PubMed 15082312 (cited by Labcorp Genetics (formerly Invitae), Labcorp); PubMed 21844345 (cited by Labcorp Genetics (formerly Invitae), Labcorp).

NR_001566.3(TERC):n.29T>A

Genes: TERC (telomerase RNA component; minus strand), LOC110806306 (telomerase RNA component (TERC) promoter; plus strand). Cytogenetic location: 3q26.2.
Variant type: single nucleotide variant.
Genome position: GRCh38 VCF-style: chr3-169765032-A-T. GRCh37 (hg19) VCF-style: chr3-169482820-A-T.
Identifiers: ClinVar variation 534181 (VCV000534181.14), dbSNP rs1336050074, ClinGen allele CA436716007.